The following is an entry in ClinVar:

NM_001009999.3(KDM1A):c.1754C>T (p.Thr585Ile)

Gene: KDM1A (lysine demethylase 1A; plus strand). Cytogenetic location: 1p36.12.
Variant type: single nucleotide variant.
Coding change: c.1754C>T on transcript NM_001009999.3 (MANE Select); coding-DNA position 1754, C replaced by T.
Protein change: p.Thr585Ile; replaces threonine 585 with isoleucine.
Molecular consequence: missense variant.
Genome position (GRCh38, 1-based): chr1:23,077,247, C>T. VCF-style: chr1-23077247-C-T. GRCh37 (hg19) VCF-style: chr1-23403740-C-T.
Other names: c.1700C>T, p.Thr567Ile (NM_001363654.2); c.1760C>T, p.Thr587Ile (NM_001410762.1); c.1682C>T, p.Thr561Ile (NM_001410763.1, NM_015013.4); short protein forms T567I, T561I, T587I, T585I.
Identifiers: ClinVar variation 3863282 (VCV003863282.1).
Genomic context (GRCh38, chr1:23,077,247, plus strand): 5'-TAATAAAAGGTTGGAAATATGTTCTTTTCTCTCCTCTTTAGGATGATGACTTTGAGTTCA[C>T]TGGCAGCCACCTGACAGTAAGGAATGGCTACTCGTGTGTGCCTGTGGCTTTAGCAGAAGG-3'
Protein context (NP_001009999.1, residues 575-595): HWDQDDDFEF[Thr585Ile]GSHLTVRNGY

ClinVar aggregate classification (germline): Uncertain significance (1 of 4 stars; one submission).

Conditions:
Inborn genetic diseases. Identifiers: MedGen C0950123, MeSH D030342.

gnomAD v4.1: 2 of 1,613,922 alleles (0.00012%); highest among the groups gnomAD compares: African/African-American, 0.0013%; no homozygotes.

Submission:

Ambry Genetics
Classification: Uncertain significance for Inborn genetic diseases. Last evaluated: 2025-01-20. Review status: criteria provided, single submitter. Criteria: Ambry Variant Classification Scheme 2023. Collection method: clinical testing. Allele origin: germline.
Comment: The p.T585I variant (also known as c.1754C>T), located in coding exon 16 of the KDM1A gene, results from a C to T substitution at nucleotide position 1754. The threonine at codon 585 is replaced by isoleucine, an amino acid with similar properties. This amino acid position is conserved. In addition, this alteration is predicted to be deleterious by in silico analysis. Based on the available evidence, the clinical significance of this variant remains unclear.